The following is an entry in ClinVar:

NM_173569.4(UBN2):c.906-10G>A

Gene: UBN2 (ubinuclein 2; plus strand). Cytogenetic location: 7q34.
Variant type: single nucleotide variant.
Coding change: c.906-10G>A on transcript NM_173569.4 (MANE Select); 10 bases into the intron before coding-DNA position 906, G replaced by A.
Molecular consequence: intron variant.
Genome position (GRCh38, 1-based): chr7:139,261,242, G>A. VCF-style: chr7-139261242-G-A. GRCh37 (hg19) VCF-style: chr7-138945988-G-A.
Identifiers: ClinVar variation 3053038 (VCV003053038.2), dbSNP rs187469029, ClinGen allele CA4508791.

ClinVar aggregate classification (germline): Likely benign (0 of 4 stars; one submission).

Conditions:
UBN2-related disorder. Also called: UBN2-related condition.

Allele frequency attached by ClinVar (database versions not stated): gnomAD exomes 0.00013; ExAC 0.00040; gnomAD 0.00127; ESP Exome Variant Server 0.00135; TOPMed 0.00138; 1000 Genomes Project 30x 0.00141; 1000 Genomes Project 0.00160.
gnomAD v4.1: 384 of 1,584,916 alleles (0.024%); highest among the groups gnomAD compares: African/African-American, 0.49%; 1 homozygote.

Submission:

PreventionGenetics, part of Exact Sciences
Classification: Likely benign for UBN2-related condition. Last evaluated: 2019-08-13. Review status: no assertion criteria provided. Collection method: clinical testing. Allele origin: germline.
Comment: This variant is classified as likely benign based on ACMG/AMP sequence variant interpretation guidelines (Richards et al. 2015 PMID: 25741868, with internal and published modifications).